The following is an entry in ClinVar:

NM_020699.4(GATAD2B):c.968A>G (p.His323Arg)

Gene: GATAD2B (GATA zinc finger domain containing 2B; minus strand). Cytogenetic location: 1q21.3.
Variant type: single nucleotide variant.
Coding change: c.968A>G on transcript NM_020699.4 (MANE Select); coding-DNA position 968, A replaced by G.
Protein change: p.His323Arg; replaces histidine 323 with arginine.
Molecular consequence: missense variant.
Genome position (GRCh38, 1-based): chr1:153,816,521, T>C on the plus strand (A>G on the coding strand, the complement: GATAD2B is on the minus strand). VCF-style: chr1-153816521-T-C. GRCh37 (hg19) VCF-style: chr1-153788997-T-C.
Other names: short protein forms H323R.
Identifiers: ClinVar variation 1314395 (VCV001314395.2), dbSNP rs2101879943, ClinGen allele CA342528064.
Genomic context (GRCh38, chr1:153,816,521, plus strand): 5'-GTCATGGCGCTGGGGCTAGGAAGTGGCGAGGACACTCTGTTCACCGTCCCTGGCTGGATA[T>C]GAGAAGCAAGGTTCATATAGATGGCAGAGGATGTTGTACGCTGACATGGAACAGAAGAAC-3'
Protein context (NP_065750.1, residues 313-333): SSAIYMNLAS[His323Arg]IQPGTVNRVS

ClinVar aggregate classification (germline): Uncertain significance (1 of 4 stars; one submission).

Submission:

GeneDx
Classification: Uncertain significance. Last evaluated: 2021-03-30. Review status: criteria provided, single submitter. Criteria: GeneDx Variant Classification Process June 2021. Collection method: clinical testing. Allele origin: germline. Affected: yes.
Comment: Not observed in large population cohorts (Lek et al., 2016); In silico analysis supports that this missense variant does not alter protein structure/function; Has not been previously published as pathogenic or benign to our knowledge